The following is an entry in ClinVar:

NM_001735.3(C5):c.1507-7T>G

Gene: C5 (complement C5; minus strand). Cytogenetic location: 9q33.2.
Variant type: single nucleotide variant.
Coding change: c.1507-7T>G on transcript NM_001735.3 (MANE Select); 7 bases into the intron before coding-DNA position 1507, T replaced by G.
Molecular consequence: intron variant.
Genome position (GRCh38, 1-based): chr9:121,017,859, A>C on the plus strand (T>G on the coding strand, the complement: C5 is on the minus strand). VCF-style: chr9-121017859-A-C. GRCh37 (hg19) VCF-style: chr9-123780137-A-C.
Other names: c.1525-7T>G (NM_001317163.2); c.1507-7T>G (NM_001317164.2).
Identifiers: ClinVar variation 1467510 (VCV001467510.8), dbSNP rs2131762654, ClinGen allele CA2573143946.
Genomic context (GRCh38, chr9:121,017,859, plus strand): 5'-ATCTGAAAATTTCTCCCTCGTGCCAAAGTGGATAATTTTGCCCTTGGATAAAATCTAAAA[A>C]TAAACAGCAGCAGCAACAATAAGTAAAAAATAAACAAACAAAAACAAAACCTGTGCTTTA-3'

ClinVar aggregate classification (germline): Uncertain significance (1 of 4 stars; one submission).

Submission:

Labcorp Genetics (formerly Invitae), Labcorp
Classification: Uncertain significance. Last evaluated: 2021-02-17. Review status: criteria provided, single submitter. Criteria: Invitae Variant Classification Sherloc (09022015). Collection method: clinical testing. Allele origin: germline.
Comment: In summary, the available evidence is currently insufficient to determine the role of this variant in disease. Therefore, it has been classified as a Variant of Uncertain Significance. Algorithms developed to predict the effect of sequence changes on RNA splicing suggest that this variant may disrupt the consensus splice site, but this prediction has not been confirmed by published transcriptional studies. This variant has not been reported in the literature in individuals with C5-related conditions. This variant is not present in population databases (ExAC no frequency). This sequence change falls in intron 12 of the C5 gene. It does not directly change the encoded amino acid sequence of the C5 protein.